The following is an entry in ClinVar:

GRCh37/hg19 11q13.4(chr11:71155018-71156024)

Gene: DHCR7 (7-dehydrocholesterol reductase; minus strand). Cytogenetic location: 11q13.4.
Variant type: copy number loss.
Identifiers: ClinVar variation 1179170 (VCV001179170.2).

ClinVar aggregate classification (germline): Likely pathogenic (0 of 4 stars; one submission).

Conditions:
Smith-Lemli-Opitz syndrome (SLOS). Also called: LETHAL ACRODYSGENITAL SYNDROME; POLYDACTYLY, SEX REVERSAL, RENAL HYPOPLASIA, AND UNILOBAR LUNG; RSH SYNDROME; RUTLEDGE LETHAL MULTIPLE CONGENITAL ANOMALY SYNDROME; 7-Dehydrocholesterol reductase deficiency. Identifiers: Orphanet 818, MedGen C0175694, MONDO:0010035, OMIM 270400.

Submission:

Fulgent Genetics
Classification: Likely pathogenic for Smith-Lemli-Opitz syndrome. Review status: no assertion criteria provided. Collection method: clinical testing. Allele origin: unknown.
Comment: This variant has been detected in individual(s) who were sent for testing of Renasight - kidney gene panel.